The following is an entry in ClinVar:

NM_000388.4(CASR):c.2383C>T (p.Arg795Trp)

Gene: CASR (calcium sensing receptor; plus strand). Cytogenetic location: 3q21.1.
Variant type: single nucleotide variant.
Coding change: c.2383C>T on transcript NM_000388.4 (MANE Select); coding-DNA position 2383, C replaced by T.
Protein change: p.Arg795Trp; replaces arginine 795 with tryptophan.
Molecular consequence: missense variant.
Genome position (GRCh38, 1-based): chr3:122,284,337, C>T. VCF-style: chr3-122284337-C-T. GRCh37 (hg19) VCF-style: chr3-122003184-C-T.
Other names: R796W; c.2413C>T, p.Arg805Trp (NM_001178065.2); short protein forms R795W, R805W.
Identifiers: ClinVar variation 8312 (VCV000008312.14), dbSNP rs121909258, ClinGen allele CA119467.
Genomic context (GRCh38, chr3:122,284,337, plus strand): 5'-TTCCTGATCGGCTACACCTGCCTGCTGGCTGCCATCTGCTTCTTCTTTGCCTTCAAGTCC[C>T]GGAAGCTGCCGGAGAACTTCAATGAAGCCAAGTTCATCACCTTCAGCATGCTCATCTTCT-3'
Protein context (NP_000379.3, residues 785-805): AICFFFAFKS[Arg795Trp]KLPENFNEAK

ClinVar aggregate classification (germline): Pathogenic/Likely pathogenic. Review status: criteria provided, multiple submitters, no conflicts (2 of 4 stars). 5 submissions from 5 submitters: Pathogenic (2); Likely pathogenic (2). 1 of the submissions does not count toward it. Last evaluated 2025-03-20.

Conditions:
Familial hypocalciuric hypercalcemia 1. Also called: Hypercalcemia, familial benign type 1. Identifiers: Orphanet 405, Orphanet 93372, MedGen C0342637, MONDO:0007791, OMIM 145980.
Familial hypocalciuric hypercalcemia (FHH). Also called: Familial benign hypercalcemia. Identifiers: Orphanet 405, MedGen C1809471, MONDO:0018458.
Autosomal dominant hypocalcemia 1 (HYPOC1). Also called: HYPOCALCEMIA, FAMILIAL. Identifiers: MedGen C3715128, MONDO:0011013, OMIM 601198.
Primary hyperparathyroidism. Also called: Primary hyperparathyroidism (disease). Identifiers: MedGen C0221002, MONDO:0010837, HP:0008200.

Allele frequency attached by ClinVar (database versions not stated): gnomAD 0.00001.
gnomAD v4.1: 2 of 1,613,956 alleles (0.00012%); highest among the groups gnomAD compares: African/African-American, 0.0013%; no homozygotes.

Submissions (5):

Labcorp Genetics (formerly Invitae), Labcorp
Classification: Pathogenic for Familial hypocalciuric hypercalcemia; Autosomal dominant hypocalcemia 1. Last evaluated: 2025-03-20. Review status: criteria provided, single submitter. Criteria: Invitae Variant Classification Sherloc (09022015). Collection method: clinical testing. Allele origin: germline.
Comment: This sequence change replaces arginine, which is basic and polar, with tryptophan, which is neutral and slightly polar, at codon 795 of the CASR protein (p.Arg795Trp). This variant is present in population databases (rs121909258, gnomAD 0.01%). This missense change has been observed in individual(s) with familial hypocalciuric hypercalcemia (PMID: 11889203). It has also been observed to segregate with disease in related individuals. Invitae Evidence Modeling of clinical and family history, age, sex, and reported ancestry of multiple individuals with this CASR variant has been performed. This variant is expected to be pathogenic with a positive predictive value of at least 99%. This is a validated machine learning model that incorporates the clinical features of 606,512 individuals referred to our laboratory for CASR testing. ClinVar contains an entry for this variant (Variation ID: 8312). An algorithm developed to predict the effect of missense changes on protein structure and function (PolyPhen-2) suggests that this variant is likely to be disruptive. Experimental studies have shown that this missense change affects CASR function (PMID: 7916660, 9422777, 11102444, 12095982, 12114500, 17284438, 19389809, 21239511). For these reasons, this variant has been classified as Pathogenic.

Clinical Genetics Laboratory, Skane University Hospital Lund
Classification: Likely pathogenic for Primary hyperparathyroidism. Last evaluated: 2024-11-04. Review status: criteria provided, single submitter. Criteria: ACMG Guidelines, 2015. Collection method: clinical testing. Allele origin: germline. Affected: yes.
Comment: ACMG criteria used: PS3 (PMID: 12114500, 17284438), PM5_Supporting, PP3

Centre for Mendelian Genomics, University Medical Centre Ljubljana
Classification: Likely pathogenic for Autosomal dominant hypocalcemia 1. Last evaluated: 2016-01-01. Review status: criteria provided, single submitter. Criteria: ACMG Guidelines, 2015. Collection method: clinical testing. Allele origin: unknown. Affected: yes.
Comment: This variant was classified as: Likely pathogenic. The following ACMG criteria were applied in classifying this variant: PS3,PP3,PP4,PP5.

Athena Diagnostics
Classification: Pathogenic. Last evaluated: 2015-03-24. Review status: criteria provided, single submitter. Criteria: Athena Diagnostics Criteria. Collection method: clinical testing. Allele origin: germline.

OMIM
Classification: Pathogenic for HYPOCALCIURIC HYPERCALCEMIA, FAMILIAL, TYPE I. Last evaluated: 1994-11-01. Review status: no assertion criteria provided. Collection method: literature only. Allele origin: germline. Not counted in ClinVar's aggregate classification.

Literature cited by the submitters: PubMed 11889203 (cited by Labcorp Genetics (formerly Invitae), Labcorp); PubMed 7916660 (cited by 3 submitters); PubMed 9422777 (cited by Labcorp Genetics (formerly Invitae), Labcorp and Athena Diagnostics); PubMed 11102444 (cited by Labcorp Genetics (formerly Invitae), Labcorp and Athena Diagnostics); PubMed 12095982 (cited by Labcorp Genetics (formerly Invitae), Labcorp); PubMed 12114500 (cited by Labcorp Genetics (formerly Invitae), Labcorp and Athena Diagnostics); PubMed 17284438 (cited by Labcorp Genetics (formerly Invitae), Labcorp and Athena Diagnostics); PubMed 19389809 (cited by Labcorp Genetics (formerly Invitae), Labcorp); PubMed 21239511 (cited by Labcorp Genetics (formerly Invitae), Labcorp and Athena Diagnostics); PubMed 10912782 (cited by Athena Diagnostics); PubMed 7874174 (cited by Athena Diagnostics and OMIM); PubMed 23077345 (cited by Athena Diagnostics); PubMed 10077597 (cited by Athena Diagnostics).